The following is an entry in ClinVar:

NM_001368894.2(PAX6):c.509G>A (p.Trp170Ter)

Gene: PAX6 (paired box 6; minus strand). Cytogenetic location: 11p13.
Variant type: single nucleotide variant.
Coding change: c.509G>A on transcript NM_001368894.2 (MANE Select); coding-DNA position 509, G replaced by A.
Protein change: p.Trp170Ter; replaces tryptophan 170 with a stop codon.
Molecular consequence: nonsense. On other transcripts: non-coding transcript variant (2).
Genome position (GRCh38, 1-based): chr11:31,800,747, C>T on the plus strand (G>A on the coding strand, the complement: PAX6 is on the minus strand). VCF-style: chr11-31800747-C-T. GRCh37 (hg19) VCF-style: chr11-31822295-C-T.
Other names: c.308G>A, p.Trp103Ter (NM_001368924.2, NM_001368925.2, NM_001368926.2 and 4 more transcripts); c.266G>A, p.Trp89Ter (NM_001368928.2); c.59G>A, p.Trp20Ter (NM_001368929.2, NM_001310160.2, NM_001310161.3 and 11 more transcripts); c.509G>A, p.Trp170Ter (NM_001604.6, NM_001258462.3, NM_001258463.2 and 6 more transcripts); c.467G>A, p.Trp156Ter (NM_000280.6, NM_001127612.3, NM_001258464.2 and 10 more transcripts); c.710G>A, p.Trp237Ter (NM_001368910.2); c.512G>A, p.Trp171Ter (NM_001368911.2); c.467G>A (NM_000280.3); and 2 more; short protein forms W156*, W181*, W20*, W237*, W103*, W195*, W170*, W171*.
Identifiers: ClinVar variation 430996 (VCV000430996.5), dbSNP rs1131692306, ClinGen allele CA379958057.

ClinVar aggregate classification (germline): Pathogenic. Review status: criteria provided, single submitter (1 of 4 stars). 2 submissions from 2 submitters: Pathogenic (1). 1 of the submissions does not count toward it. Last evaluated 2025-10-21.

Conditions:
Aniridia 1 (AN1). Identifiers: Orphanet 250923, MedGen C0344542, MONDO:0024507, OMIM 106210.

Submissions (2):

GeneDx
Classification: Pathogenic. Last evaluated: 2025-10-21. Review status: criteria provided, single submitter. Criteria: GeneDx Variant Classification Process June 2021. Collection method: clinical testing. Allele origin: germline.
Comment: Identified in a patient with aniridia in the published literature (PMID: 9281415); Nonsense variant predicted to result in protein truncation or nonsense mediated decay in a gene for which loss of function is a known mechanism of disease; Not observed at significant frequency in large population cohorts (gnomAD); This variant is associated with the following publications: (PMID: 25525159, 32467297, 9281415)

Laboratory of Genetic Epidemiology, Research Centre for Medical Genetics
Classification: Pathogenic for Aniridia 1. Review status: no assertion criteria provided. Collection method: research. Allele origin: maternal. Inheritance: Autosomal dominant inheritance. Affected: yes. Observed: 1 heterozygote. Not counted in ClinVar's aggregate classification.

Literature cited by the submitters: PubMed 28321846 (cited by Laboratory of Genetic Epidemiology, Research Centre for Medical Genetics).